The following is an entry in ClinVar:

ClinVar aggregate classification (germline): Uncertain significance. Review status: criteria provided, single submitter (1 of 4 stars). 2 submissions from 2 submitters: Uncertain significance (1). 1 of the submissions does not count toward it. Last evaluated 2024-08-31.

Conditions:
SFTPC-related disorder. Also called: SFTPC-related condition.
Hereditary pulmonary alveolar proteinosis. Also called: Pulmonary surfactant metabolism dysfunction. Identifiers: Orphanet 264675, MedGen C3711368, MONDO:0012580.

Allele frequency attached by ClinVar (database versions not stated): TOPMed 0.00004; gnomAD 0.00025; ExAC 0.00104; 1000 Genomes Project 30x 0.00156; 1000 Genomes Project 0.00180.
gnomAD v4.1: 691 of 1,613,012 alleles (0.043%); highest among the groups gnomAD compares: South Asian, 0.73%; 6 homozygotes.

Submissions (2):

Ambry Genetics
Classification: Uncertain significance for Hereditary pulmonary alveolar proteinosis. Last evaluated: 2024-08-31. Review status: criteria provided, single submitter. Criteria: Ambry Variant Classification Scheme 2023. Collection method: clinical testing. Allele origin: germline.
Comment: The p.G176E variant (also known as c.527G>A), located in coding exon 5 of the SFTPC gene, results from a G to A substitution at nucleotide position 527. The glycine at codon 176 is replaced by glutamic acid, an amino acid with similar properties. This amino acid position is conserved. In addition, this alteration is predicted to be tolerated by in silico analysis. Based on the available evidence, the clinical significance of this variant remains unclear.

PreventionGenetics, part of Exact Sciences
Classification: Benign for SFTPC-related condition. Last evaluated: 2022-12-23. Review status: no assertion criteria provided. Collection method: clinical testing. Allele origin: germline. Not counted in ClinVar's aggregate classification.
Comment: This variant is classified as benign based on ACMG/AMP sequence variant interpretation guidelines (Richards et al. 2015 PMID: 25741868, with internal and published modifications).

NM_001317778.2(SFTPC):c.509G>A (p.Gly170Glu)

Gene: SFTPC (surfactant protein C; plus strand). Cytogenetic location: 8p21.3.
Variant type: single nucleotide variant.
Coding change: c.509G>A on transcript NM_001317778.2 (MANE Select); coding-DNA position 509, G replaced by A.
Protein change: p.Gly170Glu; replaces glycine 170 with glutamic acid.
Molecular consequence: missense variant.
Genome position (GRCh38, 1-based): chr8:22,163,974, G>A. VCF-style: chr8-22163974-G-A. GRCh37 (hg19) VCF-style: chr8-22021487-G-A.
Other names: c.509G>A, p.Gly170Glu (NM_001172357.2, NM_001317780.2, NM_001385656.1 and 3 more transcripts); c.527G>A, p.Gly176Glu (NM_001172410.2, NM_001385653.1, NM_001385654.1 and 2 more transcripts); c.368G>A, p.Gly123Glu (NM_001317779.2, NM_001385660.1); short protein forms G123E, G170E, G176E.
Identifiers: ClinVar variation 3043221 (VCV003043221.3), dbSNP rs537383138, ClinGen allele CA4664071.
Genomic context (GRCh38, chr8:22,163,974, plus strand): 5'-TGCCTACGTCTAAGCTGGGCCAGGCAGAGGGGCGAGATGCAGGCTCAGCACCCTCCGGAG[G>A]GGACCCGGCCTTCCTGGGCATGGCCGTGAGCACCCTGTGTGGCGAGGTGCCGCTCTACTA-3'
Protein context (NP_001304707.1, residues 160-180): GRDAGSAPSG[Gly170Glu]DPAFLGMAVS